The following is an entry in ClinVar:

ClinVar aggregate classification (germline): Uncertain significance (1 of 4 stars; one submission).

Submission:

Labcorp Genetics (formerly Invitae), Labcorp
Classification: Uncertain significance. Last evaluated: 2020-09-03. Review status: criteria provided, single submitter. Criteria: Invitae Variant Classification Sherloc (09022015). Collection method: clinical testing. Allele origin: germline.
Comment: This sequence change affects an acceptor splice site in the last intron (intron 22) of the NSD1 gene. While this is not anticipated to result in nonsense mediated decay, it likely alters RNA splicing and results in a disrupted protein product. This variant is not present in population databases (ExAC no frequency). In summary, the available evidence is currently insufficient to determine the role of this variant in disease. Therefore, it has been classified as a Variant of Uncertain Significance. Nucleotide substitutions within the consensus splice site are a relatively common cause of aberrant splicing (PMID: 17576681, 9536098). Algorithms developed to predict the effect of sequence changes on RNA splicing suggest that this variant may disrupt the consensus splice site, but this prediction has not been confirmed by published transcriptional studies. This variant has not been reported in the literature in individuals with NSD1-related conditions.

Literature cited by the submitters: PubMed 17576681; PubMed 9536098.

NM_022455.5(NSD1):c.6464-1G>A

Gene: NSD1 (nuclear receptor binding SET domain protein 1; plus strand). Cytogenetic location: 5q35.3.
Variant type: single nucleotide variant.
Coding change: c.6464-1G>A on transcript NM_022455.5 (MANE Select); the canonical splice acceptor site of the intron before coding-DNA position 6464, G replaced by A.
Molecular consequence: splice acceptor variant.
Genome position (GRCh38, 1-based): chr5:177,293,831, G>A. VCF-style: chr5-177293831-G-A. GRCh37 (hg19) VCF-style: chr5-176720832-G-A.
Other names: c.6464-1G>A (NM_001409301.1, NM_001409302.1, NM_001409303.1); c.6044-1G>A (NM_001409304.1); c.5711-1G>A (NM_001409305.1); c.5702-1G>A (NM_001409306.1, NM_001409307.1); c.5591-1G>A (NM_001409308.1, NM_172349.5, NM_001365684.2); c.5342-1G>A (NM_001409309.1).
Identifiers: ClinVar variation 1008405 (VCV001008405.7), dbSNP rs1760055914, ClinGen allele CA362323138.
Genomic context (GRCh38, chr5:177,293,831, plus strand): 5'-TTGGCCCATGTGATATGTATCTCTTTTTTCCTAAACTTTTGATTTACTTCTGTGTTTTCA[G>A]GGAAATGGGAATGTCCGTGGCATCAGTGTGACATCTGCGGGAAGGAAGCAGCCTCCTTCT-3'